The following is an entry in ClinVar:

NM_005359.6(SMAD4):c.159A>G (p.Glu53=)

Gene: SMAD4 (SMAD family member 4; plus strand). Cytogenetic location: 18q21.2.
Variant type: single nucleotide variant.
Coding change: c.159A>G on transcript NM_005359.6 (MANE Select); coding-DNA position 159, A replaced by G.
Protein change: p.Glu53=; no amino-acid change (glutamic acid 53 retained).
Molecular consequence: synonymous variant.
Genome position (GRCh38, 1-based): chr18:51,047,205, A>G. VCF-style: chr18-51047205-A-G. GRCh37 (hg19) VCF-style: chr18-48573575-A-G.
Identifiers: ClinVar variation 529968 (VCV000529968.11), dbSNP rs768796731, ClinGen allele CA8965732.
Genomic context (GRCh38, chr18:51,047,205, plus strand): 5'-AACATTTGCAAAAAGAGCAATTGAAAGTTTGGTAAAGAAGCTGAAGGAGAAAAAAGATGA[A>G]TTGGATTCTTTAATAACAGCTATAACTACAAATGGAGCTCATCCTAGTAAATGTGTTACC-3'
Protein context (NP_005350.1, residues 43-63): LVKKLKEKKD[Glu53=]LDSLITAITT

ClinVar aggregate classification (germline): Benign/Likely benign. Review status: criteria provided, multiple submitters, no conflicts (2 of 4 stars). 2 submissions from 2 submitters: Benign (1); Likely benign (1). Last evaluated 2025-03-18.

Conditions:
Juvenile polyposis syndrome (JPS). Identifiers: Orphanet 2929, MedGen C0345893, MONDO:0017380, OMIM 174900.
Juvenile polyposis/hereditary hemorrhagic telangiectasia syndrome (JPHT). Also called: Juvenile Polyposis Syndrome / Hereditary Hemorrhagic Telangiectasia (JPS/HHT); JP/HHT SYNDROME; JUVENILE POLYPOSIS WITH HEREDITARY HEMORRHAGIC TELANGIECTASIA; POLYPOSIS, GENERALIZED JUVENILE, WITH PULMONARY ARTERIOVENOUS MALFORMATION; TELANGIECTASIA, HEREDITARY HEMORRHAGIC, WITH JUVENILE POLYPOSIS COLI. Identifiers: Orphanet 2929, MedGen C1832942, MONDO:0008278, OMIM 175050.

Allele frequency attached by ClinVar (database versions not stated): gnomAD exomes below 0.00001; ExAC 0.00001.
gnomAD v4.1: 1 of 1,613,956 alleles (0.000062%); highest among the groups gnomAD compares: East Asian, 0.0022%; no homozygotes.

Submissions (2):

Myriad Genetics, Inc.
Classification: Benign for Juvenile polyposis/hereditary hemorrhagic telangiectasia syndrome. Last evaluated: 2025-03-18. Review status: criteria provided, single submitter. Criteria: Myriad Autosomal Dominant, Autosomal Recessive and X-Linked Classification Criteria (2023). Collection method: clinical testing. Allele origin: unknown.
Comment: This variant is considered benign. This variant is a silent/synonymous amino acid change and it is not expected to impact splicing.

Labcorp Genetics (formerly Invitae), Labcorp
Classification: Likely benign for Juvenile polyposis syndrome. Last evaluated: 2023-03-20. Review status: criteria provided, single submitter. Criteria: Invitae Variant Classification Sherloc (09022015). Collection method: clinical testing. Allele origin: germline.